The following is an entry in ClinVar:

NM_006514.4(SCN10A):c.5866C>A (p.Pro1956Thr)

Gene: SCN10A (sodium voltage-gated channel alpha subunit 10; minus strand). Cytogenetic location: 3p22.2.
Variant type: single nucleotide variant.
Coding change: c.5866C>A on transcript NM_006514.4 (MANE Select); coding-DNA position 5866, C replaced by A.
Protein change: p.Pro1956Thr; replaces proline 1956 with threonine.
Molecular consequence: missense variant.
Genome position (GRCh38, 1-based): chr3:38,697,354, G>T on the plus strand (C>A on the coding strand, the complement: SCN10A is on the minus strand). VCF-style: chr3-38697354-G-T. GRCh37 (hg19) VCF-style: chr3-38738845-G-T.
Other names: c.5863C>A, p.Pro1955Thr (NM_001293306.2); c.5572C>A, p.Pro1858Thr (NM_001293307.2); short protein forms P1956T, P1858T, P1955T.
Identifiers: ClinVar variation 463270 (VCV000463270.13), dbSNP rs748441157, ClinGen allele CA2319581.

ClinVar aggregate classification (germline): Uncertain significance. Review status: criteria provided, multiple submitters, no conflicts (2 of 4 stars). 4 submissions from 4 submitters: Uncertain significance (4). Last evaluated 2025-11-18.

Conditions:
SCN10A-related disorder. Also called: SCN10A-related condition.
Cardiovascular phenotype. Identifiers: MedGen CN230736.
Brugada syndrome. Also called: Sudden unexpected nocturnal death syndrome; Sudden unexplained nocturnal death syndrome; Sudden Unexplained Death Syndrome; Sudden Unexplained Nocturnal Death Syndrome (SUNDS). Identifiers: Orphanet 130, MedGen C1142166, MONDO:0015263.

Allele frequency attached by ClinVar (database versions not stated): gnomAD 0.00001; TOPMed 0.00001; ExAC 0.00002; gnomAD exomes 0.00002.
gnomAD v4.1: 16 of 1,613,492 alleles (0.00099%); highest among the groups gnomAD compares: African/African-American, 0.0093%; no homozygotes.

Submissions (4):

Ambry Genetics
Classification: Uncertain significance for Cardiovascular phenotype. Last evaluated: 2025-11-18. Review status: criteria provided, single submitter. Criteria: Ambry Variant Classification Scheme 2023. Collection method: clinical testing. Allele origin: germline.
Comment: The p.P1956T variant (also known as c.5866C>A), located in coding exon 27 of the SCN10A gene, results from a C to A substitution at nucleotide position 5866. The proline at codon 1956 is replaced by threonine, an amino acid with highly similar properties. This amino acid position is conserved. In addition, the in silico prediction for this alteration is inconclusive. Since supporting evidence is limited at this time, the clinical significance of this alteration remains unclear.

PreventionGenetics, part of Exact Sciences
Classification: Uncertain significance for SCN10A-related condition. Last evaluated: 2025-02-13. Review status: criteria provided, single submitter. Criteria: ACMG Guidelines, 2015. Collection method: clinical testing. Allele origin: germline.
Comment: The SCN10A c.5866C>A variant is predicted to result in the amino acid substitution p.Pro1956Thr. This variant has been reported as a variant of uncertain significance in an individual with dilated cardiomyopathy (Table S2, Burstein et al. 2021. PubMed ID: 32746448). This variant is reported in 0.012% of alleles in individuals of African descent in gnomAD. At this time, the clinical significance of this variant is uncertain due to the absence of conclusive functional and genetic evidence.

GeneDx
Classification: Uncertain significance. Last evaluated: 2024-09-01. Review status: criteria provided, single submitter. Criteria: GeneDx Variant Classification Process June 2021. Collection method: clinical testing. Allele origin: germline. Affected: yes.
Comment: Identified in a patient with DCM who also harbored additional cardiogenetic variants including a pathogenic SCN5A variant (PMID: 32746448); In silico analysis indicates that this missense variant does not alter protein structure/function; This variant is associated with the following publications: (PMID: 32746448)

Labcorp Genetics (formerly Invitae), Labcorp
Classification: Uncertain significance for Brugada syndrome. Last evaluated: 2022-06-04. Review status: criteria provided, single submitter. Criteria: Invitae Variant Classification Sherloc (09022015). Collection method: clinical testing. Allele origin: germline.
Comment: Advanced modeling of protein sequence and biophysical properties (such as structural, functional, and spatial information, amino acid conservation, physicochemical variation, residue mobility, and thermodynamic stability) performed at Invitae indicates that this missense variant is not expected to disrupt SCN10A protein function. In summary, the available evidence is currently insufficient to determine the role of this variant in disease. Therefore, it has been classified as a Variant of Uncertain Significance. ClinVar contains an entry for this variant (Variation ID: 463270). This variant has not been reported in the literature in individuals affected with SCN10A-related conditions. This variant is present in population databases (rs748441157, gnomAD 0.01%). This sequence change replaces proline, which is neutral and non-polar, with threonine, which is neutral and polar, at codon 1956 of the SCN10A protein (p.Pro1956Thr).